The following is an entry in ClinVar:

NM_024529.5(CDC73):c.1162C>T (p.Pro388Ser)

Gene: CDC73 (cell division cycle 73; plus strand). Cytogenetic location: 1q31.2.
Variant type: single nucleotide variant.
Coding change: c.1162C>T on transcript NM_024529.5 (MANE Select); coding-DNA position 1162, C replaced by T.
Protein change: p.Pro388Ser; replaces proline 388 with serine.
Molecular consequence: missense variant.
Genome position (GRCh38, 1-based): chr1:193,233,000, C>T. VCF-style: chr1-193233000-C-T. GRCh37 (hg19) VCF-style: chr1-193202130-C-T.
Other names: short protein forms P388S.
Identifiers: ClinVar variation 2772247 (VCV002772247.3), dbSNP rs1470371131, ClinGen allele CA344077723.
Genomic context (GRCh38, chr1:193,233,000, plus strand): 5'-CATTTTCATCACGTGGAATACATTGACTTTTTCTCATCTCTGTTTTTTCAAAGATTTGTC[C>T]CATCAGATGAAAAGAAGAAACAAGGTTGTCAACGAGAAAATGAAACTCTAATACAAAGAA-3'
Protein context (NP_078805.3, residues 378-398): KDLLQDLKFV[Pro388Ser]SDEKKKQGCQ

ClinVar aggregate classification (germline): Uncertain significance (1 of 4 stars; one submission).

Conditions:
Parathyroid carcinoma (PRTC). Also called: CDC73-Related Parathyroid Carcinoma; Parathyroid gland carcinoma. Identifiers: Orphanet 143, MedGen C0687150, MONDO:0012004, OMIM 608266, HP:0006780.

Submission:

Labcorp Genetics (formerly Invitae), Labcorp
Classification: Uncertain significance for Parathyroid carcinoma. Last evaluated: 2023-10-28. Review status: criteria provided, single submitter. Criteria: Invitae Variant Classification Sherloc (09022015). Collection method: clinical testing. Allele origin: germline.
Comment: This sequence change replaces proline, which is neutral and non-polar, with serine, which is neutral and polar, at codon 388 of the CDC73 protein (p.Pro388Ser). This variant is not present in population databases (gnomAD no frequency). This variant has not been reported in the literature in individuals affected with CDC73-related conditions. Advanced modeling of protein sequence and biophysical properties (such as structural, functional, and spatial information, amino acid conservation, physicochemical variation, residue mobility, and thermodynamic stability) performed at Invitae indicates that this missense variant is not expected to disrupt CDC73 protein function with a negative predictive value of 80%. In summary, the available evidence is currently insufficient to determine the role of this variant in disease. Therefore, it has been classified as a Variant of Uncertain Significance.